The following is an entry in ClinVar:

ClinVar aggregate classification (germline): Uncertain significance. Review status: criteria provided, multiple submitters, no conflicts (2 of 4 stars). 2 submissions from 2 submitters: Uncertain significance (2). Last evaluated 2025-04-09.

Conditions:
Tall stature-intellectual disability-renal anomalies syndrome. Also called: Thauvin-Robinet-Faivre syndrome. Identifiers: Orphanet 500095, MedGen C4310715, MONDO:0014918, OMIM 617107.

Allele frequency attached by ClinVar (database versions not stated): gnomAD 0.00033; ESP Exome Variant Server 0.00054; TOPMed 0.00022.
gnomAD v4.1: 440 of 1,565,280 alleles (0.028%); highest among the groups gnomAD compares: Non-Finnish European, 0.031%; no homozygotes.

Submissions (2):

GeneDx
Classification: Uncertain significance. Last evaluated: 2025-04-09. Review status: criteria provided, single submitter. Criteria: GeneDx Variant Classification Process June 2021. Collection method: clinical testing. Allele origin: germline. Affected: yes.
Comment: Has not been previously published as pathogenic or benign to our knowledge; In silico analysis supports that this missense variant has a deleterious effect on protein structure/function

Baylor Genetics
Classification: Uncertain significance for Tall stature-intellectual disability-renal anomalies syndrome. Last evaluated: 2023-09-29. Review status: criteria provided, single submitter. Criteria: ACMG Guidelines, 2015. Collection method: clinical testing. Allele origin: unknown.

NM_004214.5(FIBP):c.668A>G (p.Asp223Gly)

Gene: FIBP (FGF1 intracellular binding protein; minus strand). Cytogenetic location: 11q13.1.
Variant type: single nucleotide variant.
Coding change: c.668A>G on transcript NM_004214.5 (MANE Select); coding-DNA position 668, A replaced by G.
Protein change: p.Asp223Gly; replaces aspartic acid 223 with glycine.
Molecular consequence: missense variant.
Genome position (GRCh38, 1-based): chr11:65,885,165, T>C on the plus strand (A>G on the coding strand, the complement: FIBP is on the minus strand). VCF-style: chr11-65885165-T-C. GRCh37 (hg19) VCF-style: chr11-65652636-T-C.
Other names: c.689A>G, p.Asp230Gly (NM_198897.2); short protein forms D223G, D230G.
Identifiers: ClinVar variation 1033668 (VCV001033668.3), dbSNP rs146124046, ClinGen allele CA6111448.